The following is an entry in ClinVar:

ClinVar aggregate classification (germline): Uncertain significance (1 of 4 stars; one submission).

Allele frequency attached by ClinVar (database versions not stated): gnomAD 0.00001; gnomAD exomes 0.00001; TOPMed 0.00003.
gnomAD v4.1: 4 of 1,613,450 alleles (0.00025%); highest among the groups gnomAD compares: Admixed American, 0.0067%; no homozygotes.

Submission:

Ambry Genetics
Classification: Uncertain significance. Last evaluated: 2024-02-26. Review status: criteria provided, single submitter. Criteria: Ambry Variant Classification Scheme 2023. Collection method: clinical testing. Allele origin: germline.
Comment: The p.C1401Y variant (also known as c.4202G>A), located in coding exon 38 of the KIF1B gene, results from a G to A substitution at nucleotide position 4202. The cysteine at codon 1401 is replaced by tyrosine, an amino acid with highly dissimilar properties. This amino acid position is highly conserved in available vertebrate species. In addition, this alteration is predicted to be deleterious by in silico analysis. Since supporting evidence is limited at this time, the clinical significance of this alteration remains unclear.

NM_001365951.3(KIF1B):c.4340G>A (p.Cys1447Tyr)

Gene: KIF1B (kinesin family member 1B; plus strand). Cytogenetic location: 1p36.22.
Variant type: single nucleotide variant.
Coding change: c.4340G>A on transcript NM_001365951.3 (MANE Select); coding-DNA position 4340, G replaced by A.
Protein change: p.Cys1447Tyr; replaces cysteine 1447 with tyrosine.
Molecular consequence: missense variant.
Genome position (GRCh38, 1-based): chr1:10,363,318, G>A. VCF-style: chr1-10363318-G-A. GRCh37 (hg19) VCF-style: chr1-10423376-G-A.
Other names: c.4340G>A, p.Cys1447Tyr (NM_001365952.1); c.4202G>A, p.Cys1401Tyr (NM_015074.3); short protein forms C1401Y, C1447Y.
Identifiers: ClinVar variation 1738668 (VCV001738668.2), dbSNP rs1002153128, ClinGen allele CA17848734.